The following is an entry in ClinVar:

ClinVar aggregate classification (germline): Uncertain significance (1 of 4 stars; one submission).

Conditions:
Microcephalic primordial dwarfism due to RTTN deficiency (MSSP). Also called: Microcephaly, short stature, and polymicrogyria with or without seizures; MICROCEPHALY, SHORT STATURE, AND POLYMICROGYRIA. Identifiers: Orphanet 468631, MedGen C3553831, MONDO:0018764, OMIM 614833.

Submission:

Broad Center for Mendelian Genomics, Broad Institute of MIT and Harvard
Classification: Uncertain significance for Microcephalic primordial dwarfism due to RTTN deficiency. Last evaluated: 2023-05-02. Review status: criteria provided, single submitter. Criteria: ACMG Guidelines, 2015. Collection method: curation. Allele origin: germline. Inheritance: Autosomal recessive inheritance.
Comment: The c.5186-1G>C variant in RTTN has not been previously reported in individuals with microcephaly, short stature, and polymicrogyria with or without seizures. This variant was absent from large population studies. This variant is located in the 3' splice region. Computational tools predict a splicing impact, though this information is not predictive enough to determine pathogenicity. There is an in-frame cryptic splice site 138 bases from the intron-exon boundary, providing evidence that this variant may delete 46 amino acids instead of causing loss of function. However, this information is not predictive enough to determine pathogenicity. Loss of function of the RTTN gene is an established disease mechanism in autosomal recessive microcephaly, short stature, and polymicrogyria with or without seizures. In summary, while there is some suspicion for a pathogenic role, the clinical significance of this variant is uncertain. ACMG/AMP Criteria applied: PVS1_Moderate, PM2_Supporting, PM3_Supporting (Richards 2015).

NM_173630.4(RTTN):c.5186-1G>C

Gene: RTTN (rotatin; minus strand). Cytogenetic location: 18q22.2.
Variant type: single nucleotide variant.
Coding change: c.5186-1G>C on transcript NM_173630.4 (MANE Select); the canonical splice acceptor site of the intron before coding-DNA position 5186, G replaced by C.
Molecular consequence: splice acceptor variant.
Genome position (GRCh38, 1-based): chr18:70,051,549, C>G on the plus strand (G>C on the coding strand, the complement: RTTN is on the minus strand). VCF-style: chr18-70051549-C-G. GRCh37 (hg19) VCF-style: chr18-67718785-C-G.
Other names: NM_173630.4:c.5186-1G>C; c.2450-1G>C (NM_001318520.2).
Identifiers: ClinVar variation 2500957 (VCV002500957.1), dbSNP rs2511992287, ClinGen allele CA402691782.